The following is an entry in ClinVar:

NM_001278064.2(GRM1):c.409A>G (p.Ile137Val)

Gene: GRM1 (glutamate metabotropic receptor 1; plus strand). Cytogenetic location: 6q24.3.
Variant type: single nucleotide variant.
Coding change: c.409A>G on transcript NM_001278064.2 (MANE Select); coding-DNA position 409, A replaced by G.
Protein change: p.Ile137Val; replaces isoleucine 137 with valine.
Molecular consequence: missense variant.
Genome position (GRCh38, 1-based): chr6:146,029,926, A>G. VCF-style: chr6-146029926-A-G. GRCh37 (hg19) VCF-style: chr6-146351062-A-G.
Other names: c.409A>G, p.Ile137Val (NM_001278065.2, NM_001278066.1, NM_001278067.1); short protein forms I137V.
Identifiers: ClinVar variation 1901629 (VCV001901629.5), dbSNP rs768089696, ClinGen allele CA4037049.

ClinVar aggregate classification (germline): Uncertain significance (1 of 4 stars; one submission).

Allele frequency attached by ClinVar (database versions not stated): gnomAD 0.00001; ExAC 0.00002; gnomAD exomes 0.00002.
gnomAD v4.1: 41 of 1,613,980 alleles (0.0025%); highest among the groups gnomAD compares: South Asian, 0.03%; no homozygotes.

Submission:

Labcorp Genetics (formerly Invitae), Labcorp
Classification: Uncertain significance. Last evaluated: 2024-12-19. Review status: criteria provided, single submitter. Criteria: Invitae Variant Classification Sherloc (09022015). Collection method: clinical testing. Allele origin: germline.
Comment: This sequence change replaces isoleucine, which is neutral and non-polar, with valine, which is neutral and non-polar, at codon 137 of the GRM1 protein (p.Ile137Val). This variant is present in population databases (rs768089696, gnomAD 0.02%). This variant has not been reported in the literature in individuals affected with GRM1-related conditions. ClinVar contains an entry for this variant (Variation ID: 1901629). An algorithm developed to predict the effect of missense changes on protein structure and function (PolyPhen-2) suggests that this variant is likely to be tolerated. In summary, the available evidence is currently insufficient to determine the role of this variant in disease. Therefore, it has been classified as a Variant of Uncertain Significance.